The following is an entry in ClinVar:

ClinVar aggregate classification (germline): Pathogenic (1 of 4 stars; one submission).

Conditions:
Pheochromocytoma. Also called: MAX-Related Hereditary Paraganglioma-Pheochromocytoma Syndrome. Identifiers: Orphanet 29072, MedGen C0031511, MONDO:0008233, OMIM 171300, HP:0002666.
Gastrointestinal stromal tumor. Also called: Gastrointestinal stroma tumor; Gastrointestinal stromal tumor, somatic. Identifiers: Orphanet 44890, MedGen C0238198, MeSH D046152, MONDO:0011719, OMIM 606764, HP:0100723.
Pheochromocytoma/paraganglioma syndrome 4. Also called: CAROTID BODY TUMORS AND MULTIPLE EXTRAADRENAL PHEOCHROMOCYTOMAS; PARAGANGLIOMA, FAMILIAL MALIGNANT; PARAGANGLIOMAS, HEREDITARY EXTRAADRENAL; PHEOCHROMOCYTOMA, FAMILIAL EXTRAADRENAL; Paragangliomas 4; SDHB-Related Hereditary Paraganglioma-Pheochromocytoma Syndrome (Paragangliomas 4). Identifiers: Orphanet 29072, MedGen C1861848, MONDO:0007273, OMIM 115310.

Submission:

Labcorp Genetics (formerly Invitae), Labcorp
Classification: Pathogenic for Gastrointestinal stromal tumor; Pheochromocytoma/paraganglioma syndrome 4; Pheochromocytoma. Last evaluated: 2025-08-04. Review status: criteria provided, single submitter. Criteria: Invitae Variant Classification Sherloc (09022015). Collection method: clinical testing. Allele origin: germline.
Comment: This sequence change creates a premature translational stop signal (p.Ile246Serfs*2) in the SDHB gene. While this is not anticipated to result in nonsense mediated decay, it is expected to disrupt the last 35 amino acid(s) of the SDHB protein. This variant is not present in population databases (gnomAD no frequency). This variant has not been reported in the literature in individuals affected with SDHB-related conditions. This variant disrupts a region of the SDHB protein in which other variant(s) (p.Ile263Serfs*13) have been determined to be pathogenic (internal data). This suggests that this is a clinically significant region of the protein, and that variants that disrupt it are likely to be disease-causing. For these reasons, this variant has been classified as Pathogenic.

NM_003000.3(SDHB):c.735del (p.Ile246fs)

Gene: SDHB (succinate dehydrogenase complex iron sulfur subunit B; minus strand). Cytogenetic location: 1p36.13.
Variant type: Deletion.
Coding change: c.735del on transcript NM_003000.3 (MANE Select); coding-DNA position 735, one base deleted (C; older notation c.735delC).
Protein change: p.Ile246fs; shifts the reading frame from isoleucine 246.
Molecular consequence: frameshift variant.
Genome position (GRCh38, 1-based): chr1:17,022,638, G deleted on the plus strand (C on the coding strand, the reverse complement: SDHB is on the minus strand); the first of 2 consecutive G bases (chr1:17,022,638-17,022,639); deleting either gives the same sequence. VCF-style (leftmost placement, unchanged base first): chr1-17022637-TG-T. GRCh37 (hg19) VCF-style: chr1-17349132-TG-T.
Other names: c.681del, p.Ile228fs (NM_001407361.1); short protein forms I228fs, I246fs.
Identifiers: ClinVar variation 4785706 (VCV004785706.1).